The following is an entry in ClinVar:

NM_004360.5(CDH1):c.1386dup (p.Glu463Ter)

Gene: CDH1 (cadherin 1; plus strand). Cytogenetic location: 16q22.1.
Variant type: Duplication.
Coding change: c.1386dup on transcript NM_004360.5 (MANE Select); coding-DNA position 1386, one base duplicated (T; older notation c.1386dupT).
Protein change: p.Glu463Ter; replaces glutamic acid 463 with a stop codon.
Molecular consequence: nonsense. On other transcripts: 5 prime UTR variant (2), frameshift variant (1).
Genome position (GRCh38, 1-based): chr16:68,815,580, T duplicated; the last of 4 consecutive T bases (chr16:68,815,577-68,815,580); duplicating any one gives the same sequence. VCF-style (leftmost placement, unchanged base first): chr16-68815576-C-CT. GRCh37 (hg19) VCF-style: chr16-68849479-C-CT.
Other names: c.1203dup, p.Glu402Ter (NM_001317184.2); c.-163dup (NM_001317185.2); c.-434dup (NM_001317186.2); c.1386dupT (NM_004360.3); short protein forms E463*, E402*.
Identifiers: ClinVar variation 1771409 (VCV001771409.2), dbSNP rs2543930495, ClinGen allele CA2580091968.

ClinVar aggregate classification (germline): Pathogenic (1 of 4 stars; one submission).

Conditions:
Hereditary cancer-predisposing syndrome. Also called: Hereditary Cancer Syndrome; Hereditary neoplastic syndrome; Neoplastic Syndromes, Hereditary; Tumor predisposition. Identifiers: Orphanet 140162, MedGen C0027672, MeSH D009386, MONDO:0015356.

Submission:

Ambry Genetics
Classification: Pathogenic for Hereditary cancer-predisposing syndrome. Last evaluated: 2020-11-04. Review status: criteria provided, single submitter. Criteria: Ambry Variant Classification Scheme 2023. Collection method: clinical testing. Allele origin: germline.
Comment: The c.1386dupT pathogenic mutation (also known as p.E463*), located in coding exon 10 of the CDH1 gene, results from a duplication of T at nucleotide position 1386. This changes the amino acid from a glutamic acid to a stop codon within coding exon 10. This alteration is expected to result in loss of function by premature protein truncation or nonsense-mediated mRNA decay. As such, this alteration is interpreted as a disease-causing mutation.